The following is an entry in ClinVar:

ClinVar aggregate classification (germline): Likely pathogenic (1 of 4 stars; one submission).

Conditions:
Pyruvate kinase deficiency of red cells (CNSHA2). Also called: Pyruvate kinase deficiency, Amish type; PK DEFICIENCY; PYRUVATE KINASE DEFICIENCY OF ERYTHROCYTE. Identifiers: Orphanet 766, MedGen C0340968, MONDO:0009950, OMIM 266200.

Submission:

Neuberg Centre For Genomic Medicine, NCGM
Classification: Likely pathogenic for Pyruvate kinase deficiency of red cells. Last evaluated: 2023-05-20. Review status: criteria provided, single submitter. Criteria: ACMG Guidelines, 2015. Collection method: clinical testing. Allele origin: germline. Inheritance: Autosomal recessive inheritance. Affected: yes.
Comment: The observed missense variant c.958G>A(p.Val320Met) in PKLR gene has been reported previously in compound heterozygous state in an individual with Red cell pyruvate kinase deficiency (Fermo E, et al., 2005). Another missense variant c.958G>C, p.Val320Leu reported to be disease causing (van Wijk R, et al., 2009). The c.958G>A variant is absent in gnomAD Exomes. The amino acid Valine at position 320 is changed to a Methionine changing protein sequence and it might alter its composition and physico-chemical properties. Computational evidence (Polyphen-probabaly damaging, SIFT-tolerated and Mutation Taster-disease causing) predicts conflicting evidence on protein structure and function for this variant. The reference amino acid p.Val320Met in PKLR is predicted as conserved by GERP++ and PhyloP across 100 vertebrates. For these reasons, this variant has been classified as Likely Pathogenic.

NM_000298.6(PKLR):c.958G>A (p.Val320Met)

Gene: PKLR (pyruvate kinase L/R; minus strand). Cytogenetic location: 1q22.
Variant type: single nucleotide variant.
Coding change: c.958G>A on transcript NM_000298.6 (MANE Select); coding-DNA position 958, G replaced by A.
Protein change: p.Val320Met; replaces valine 320 with methionine.
Molecular consequence: missense variant.
Genome position (GRCh38, 1-based): chr1:155,294,489, C>T on the plus strand (G>A on the coding strand, the complement: PKLR is on the minus strand). VCF-style: chr1-155294489-C-T. GRCh37 (hg19) VCF-style: chr1-155264280-C-T.
Other names: c.865G>A, p.Val289Met (NM_181871.4); short protein forms V289M, V320M.
Identifiers: ClinVar variation 3367076 (VCV003367076.1).